The following is an entry in ClinVar:

ClinVar aggregate classification (germline): Uncertain significance (1 of 4 stars; one submission).

Submission:

Labcorp Genetics (formerly Invitae), Labcorp
Classification: Uncertain significance. Last evaluated: 2024-12-12. Review status: criteria provided, single submitter. Criteria: Invitae Variant Classification Sherloc (09022015). Collection method: clinical testing. Allele origin: germline.
Comment: This sequence change replaces lysine, which is basic and polar, with asparagine, which is neutral and polar, at codon 21 of the RNF113A protein (p.Lys21Asn). This variant is not present in population databases (gnomAD no frequency). This variant has not been reported in the literature in individuals affected with RNF113A-related conditions. Invitae Evidence Modeling of protein sequence and biophysical properties (such as structural, functional, and spatial information, amino acid conservation, physicochemical variation, residue mobility, and thermodynamic stability) indicates that this missense variant is expected to disrupt RNF113A protein function with a positive predictive value of 80%. In summary, the available evidence is currently insufficient to determine the role of this variant in disease. Therefore, it has been classified as a Variant of Uncertain Significance.

NM_006978.3(RNF113A):c.63G>C (p.Lys21Asn)

Genes: RNF113A (ring finger protein 113A; minus strand), LOC130068621 (ATAC-STARR-seq lymphoblastoid active region 29902; plus strand). Cytogenetic location: Xq24.
Variant type: single nucleotide variant.
Coding change: c.63G>C on transcript NM_006978.3 (MANE Select); coding-DNA position 63, G replaced by C.
Protein change: p.Lys21Asn; replaces lysine 21 with asparagine.
Molecular consequence: missense variant.
Genome position (GRCh38, 1-based): chrX:119,871,551, C>G on the plus strand (G>C on the coding strand, the complement: RNF113A is on the minus strand). VCF-style: chrX-119871551-C-G. GRCh37 (hg19) VCF-style: chrX-119005514-C-G.
Other names: short protein forms K21N.
Identifiers: ClinVar variation 3667512 (VCV003667512.2).